The following is an entry in ClinVar:

ClinVar aggregate classification (germline): Uncertain significance (1 of 4 stars; one submission).

Conditions:
Intellectual developmental disorder, autosomal dominant 46. Also called: MENTAL RETARDATION, AUTOSOMAL DOMINANT 46; Intellectual disability, autosomal dominant 46. Identifiers: MedGen C4539851, MONDO:0030911, OMIM 617601.

Submission:

Dasa
Classification: Uncertain significance for Intellectual developmental disorder, autosomal dominant 46. Last evaluated: 2025-09-25. Review status: criteria provided, single submitter. Criteria: DASA Assertion Criteria. Collection method: clinical testing. Allele origin: germline.
Comment: NM_019842.4(KCNQ5):c.350A>G (p.Asn117Ser) is a missense variant that results in the substitution of asparagine with serine. This variant is absent from population databases. The currently available literature and clinical evidence are not sufficient to establish a definitive association between this variant and the reported condition. Therefore, this variant is classified as a variant of uncertain significance.

NM_019842.4(KCNQ5):c.350A>G (p.Asn117Ser)

Genes: KCNQ5 (potassium voltage-gated channel subfamily Q member 5; plus strand), KCNQ5-DT (KCNQ5 divergent transcript; minus strand). Cytogenetic location: 6q13.
Variant type: single nucleotide variant.
Coding change: c.350A>G on transcript NM_019842.4 (MANE Select); coding-DNA position 350, A replaced by G.
Protein change: p.Asn117Ser; replaces asparagine 117 with serine.
Molecular consequence: missense variant. On other transcripts: non-coding transcript variant (1).
Genome position (GRCh38, 1-based): chr6:72,622,539, A>G. VCF-style: chr6-72622539-A-G. GRCh37 (hg19) VCF-style: chr6-73332267-A-G.
Other names: c.350A>G, p.Asn117Ser (NM_001160130.2, NM_001160132.2, NM_001160133.2 and 1 more transcripts); short protein forms N117S.
Identifiers: ClinVar variation 4881204 (VCV004881204.2).
Genomic context (GRCh38, chr6:72,622,539, plus strand): 5'-CGAGTAGCCAGAGCTGCCGGCGCAACGTCAAGTACCGGCGGGTGCAGAACTACCTGTACA[A>G]CGTGCTGGAGAGACCCCGCGGCTGGGCGTTCATCTACCACGCTTTCGTGTGAGTACCCGC-3'
Protein context (NP_062816.2, residues 107-127): KYRRVQNYLY[Asn117Ser]VLERPRGWAF